The following is an entry in ClinVar:

NC_000019.9:g.(?_17927663)_(19312528_?)dup

Genes: ARMC6 (armadillo repeat containing 6; plus strand), ARRDC2 (arrestin domain containing 2; plus strand), BORCS8 (BLOC-1 related complex subunit 8; minus strand), CCDC124 (coiled-coil domain containing 124; plus strand), CERS1 (ceramide synthase 1; minus strand) and 41 more. Cytogenetic location: 19p13.11.
Variant type: Duplication.
Identifiers: ClinVar variation 2425279 (VCV002425279.3).

ClinVar aggregate classification (germline): Uncertain significance (1 of 4 stars; one submission).

Conditions:
Megalencephaly-polymicrogyria-polydactyly-hydrocephalus syndrome 1 (MPPH1). Also called: MEGALENCEPHALY, MEGA CORPUS CALLOSUM, AND COMPLETE LACK OF MOTOR DEVELOPMENT; MEGALENCEPHALY, POLYMICROGYRIA, MEGA CORPUS CALLOSUM SYNDROME. Identifiers: Orphanet 83473, MedGen C4012727, MONDO:0011313, OMIM 603387.

Submission:

Labcorp Genetics (formerly Invitae), Labcorp
Classification: Uncertain significance for Megalencephaly-polymicrogyria-polydactyly-hydrocephalus syndrome 1. Last evaluated: 2022-10-11. Review status: criteria provided, single submitter. Criteria: Invitae Variant Classification Sherloc (09022015). Collection method: clinical testing. Allele origin: germline.
Comment: In summary, the available evidence is currently insufficient to determine the role of this variant in disease. Therefore, it has been classified as a Variant of Uncertain Significance. This variant has not been reported in the literature in individuals affected with PIK3R2-related conditions. A copy number gain of the genomic region encompassing the full coding sequence of the PIK3R2 gene has been identified. The boundaries of this event are unknown as they extend beyond the assayed region for this gene and therefore may encompass additional genes. As the precise location of this event is unknown, it may be in tandem or it may be located elsewhere in the genome.